The following is an entry in ClinVar:

NM_138694.4(PKHD1):c.560G>A (p.Trp187Ter)

Gene: PKHD1 (PKHD1 ciliary IPT domain containing fibrocystin/polyductin; minus strand). Cytogenetic location: 6p12.2.
Variant type: single nucleotide variant.
Coding change: c.560G>A on transcript NM_138694.4 (MANE Select); coding-DNA position 560, G replaced by A.
Protein change: p.Trp187Ter; replaces tryptophan 187 with a stop codon.
Molecular consequence: nonsense.
Genome position (GRCh38, 1-based): chr6:52,072,157, C>T on the plus strand (G>A on the coding strand, the complement: PKHD1 is on the minus strand). VCF-style: chr6-52072157-C-T. GRCh37 (hg19) VCF-style: chr6-51936955-C-T.
Other names: c.560G>A, p.Trp187Ter (NM_170724.3); short protein forms W187*.
Identifiers: ClinVar variation 929254 (VCV000929254.8), dbSNP rs1810710453, ClinGen allele CA364435191.
Genomic context (GRCh38, chr6:52,072,157, plus strand): 5'-AGATAATAAGACACTCACCAGCTTCCCATCTGCCTATTTATAAGAGAGCAAGGAGTAACC[C>T]ATTTGTCTCCTTGAGCTTCCAAGATCACTGGGCTGGATTTAAAAAAAAATGAAAACAAAA-3'

ClinVar aggregate classification (germline): Likely pathogenic. Review status: criteria provided, multiple submitters, no conflicts (2 of 4 stars). 2 submissions from 2 submitters: Likely pathogenic (2). Last evaluated 2024-04-10.

Conditions:
Autosomal recessive polycystic kidney disease (ARPKD). Also called: AR polycystic kidney disease. Identifiers: Orphanet 731, Orphanet 8378, MedGen C0085548, MeSH D017044, MONDO:0009889.

Allele frequency attached by ClinVar (database versions not stated): gnomAD exomes below 0.00001.
gnomAD v4.1: 1 of 1,609,886 alleles (0.000062%); highest among the groups gnomAD compares: Non-Finnish European, 0.000085%; no homozygotes.

Submissions (2):

Natera, Inc.
Classification: Likely pathogenic for Autosomal recessive polycystic kidney disease. Last evaluated: 2024-04-10. Review status: criteria provided, single submitter. Criteria: Natera Variant Classification Schema (03/2026). Collection method: clinical testing. Allele origin: germline.
Comment: The c.560G>A variant in PKHD1 is a nonsense variant predicted to introduce a stop codon at amino acid 187. This variant is expected to result in nonsense mediated decay, truncation, or a dysfunctional protein product. This variant is rare in the general population with a frequency below the threshold expected for the associated phenotype(s). Given the available evidence, this variant is classified as Likely Pathogenic.

Women's Health and Genetics/Laboratory Corporation of America, LabCorp
Classification: Likely pathogenic for Autosomal recessive polycystic kidney disease. Last evaluated: 2021-04-05. Review status: criteria provided, single submitter. Criteria: LabCorp Variant Classification Summary - May 2015. Collection method: clinical testing. Allele origin: germline.
Comment: Variant summary: PKHD1 c.560G>A (p.Trp187X) results in a premature termination codon, predicted to cause a truncation of the encoded protein or absence of the protein due to nonsense mediated decay, which are commonly known mechanisms for disease. Truncations downstream of this position have been classified as pathogenic by our laboratory. The variant was absent in 251132 control chromosomes. To our knowledge, no occurrence of c.560G>A in individuals affected with Polycystic Kidney And Hepatic Disease and no experimental evidence demonstrating its impact on protein function have been reported. No other clinical diagnostic laboratories have submitted clinical-significance assessments for this variant to ClinVar after 2014. Based on the evidence outlined above, the variant was classified as likely pathogenic.